The following is an entry in ClinVar:

NM_001080476.3(GRXCR1):c.693+1G>A

Gene: GRXCR1 (glutaredoxin and cysteine rich domain containing 1; plus strand). Cytogenetic location: 4p13.
Variant type: single nucleotide variant.
Coding change: c.693+1G>A on transcript NM_001080476.3 (MANE Select); the canonical splice donor site of the intron after coding-DNA position 693, G replaced by A.
Molecular consequence: splice donor variant.
Genome position (GRCh38, 1-based): chr4:43,020,420, G>A. VCF-style: chr4-43020420-G-A. GRCh37 (hg19) VCF-style: chr4-43022437-G-A.
Identifiers: ClinVar variation 1308185 (VCV001308185.2), dbSNP rs1243686407, ClinGen allele CA356790863.
Genomic context (GRCh38, chr4:43,020,420, plus strand): 5'-GAGAAAATTTTGTCAATGAATGAATCAGGAGAACTGCAAGACATCCTAACCAAAATTGAG[G>A]TAAATGTGCTTTCAGCAACTTAGTTTTAGTAATCAAAATATTAAACACATTCTGATTATA-3'

ClinVar aggregate classification (germline): Uncertain significance (1 of 4 stars; one submission).

Allele frequency attached by ClinVar (database versions not stated): TOPMed 0.00002; gnomAD 0.00001.

Submission:

GeneDx
Classification: Uncertain significance. Last evaluated: 2019-08-28. Review status: criteria provided, single submitter. Criteria: GeneDx Variant Classification Process June 2021. Collection method: clinical testing. Allele origin: germline. Affected: yes.
Comment: Canonical splice site variant predicted to result in an in-frame deletion of exon 3; Not observed in large population cohorts (Lek et al., 2016); Has not been previously published as pathogenic or benign to our knowledge